The following is an entry in ClinVar:

ClinVar aggregate classification (germline): Uncertain significance (1 of 4 stars; one submission).

Conditions:
Emery-Dreifuss muscular dystrophy 5, autosomal dominant (EDMD5). Also called: EMERY-DREIFUSS MUSCULAR DYSTROPHY 5. Identifiers: Orphanet 261, MedGen C2751805, MONDO:0013072, OMIM 612999.

Allele frequency attached by ClinVar (database versions not stated): TOPMed below 0.00001; gnomAD 0.00001; gnomAD exomes 0.00001 and 0.00002; ExAC 0.00002; ESP Exome Variant Server 0.00017.
gnomAD v4.1: 39 of 1,614,032 alleles (0.0024%); highest among the groups gnomAD compares: Non-Finnish European, 0.0027%; no homozygotes.

Submission:

Labcorp Genetics (formerly Invitae), Labcorp
Classification: Uncertain significance for Emery-Dreifuss muscular dystrophy 5, autosomal dominant. Last evaluated: 2023-02-11. Review status: criteria provided, single submitter. Criteria: Invitae Variant Classification Sherloc (09022015). Collection method: clinical testing. Allele origin: germline.
Comment: This variant has not been reported in the literature in individuals affected with SYNE2-related conditions. In summary, the available evidence is currently insufficient to determine the role of this variant in disease. Therefore, it has been classified as a Variant of Uncertain Significance. Algorithms developed to predict the effect of missense changes on protein structure and function are either unavailable or do not agree on the potential impact of this missense change (SIFT: "Tolerated"; PolyPhen-2: "Possibly Damaging"; Align-GVGD: "Class C0"). ClinVar contains an entry for this variant (Variation ID: 1503534). This variant is present in population databases (rs371387085, gnomAD 0.002%). This sequence change replaces glutamic acid, which is acidic and polar, with alanine, which is neutral and non-polar, at codon 2867 of the SYNE2 protein (p.Glu2867Ala).

NM_182914.3(SYNE2):c.8600A>C (p.Glu2867Ala)

Gene: SYNE2 (spectrin repeat containing nuclear envelope protein 2; plus strand). Cytogenetic location: 14q23.2.
Variant type: single nucleotide variant.
Coding change: c.8600A>C on transcript NM_182914.3 (MANE Select); coding-DNA position 8600, A replaced by C.
Protein change: p.Glu2867Ala; replaces glutamic acid 2867 with alanine.
Molecular consequence: missense variant.
Genome position (GRCh38, 1-based): chr14:64,052,513, A>C. VCF-style: chr14-64052513-A-C. GRCh37 (hg19) VCF-style: chr14-64519231-A-C.
Other names: c.8600A>C, p.Glu2867Ala (NM_015180.6); short protein forms E2867A.
Identifiers: ClinVar variation 1503534 (VCV001503534.8), dbSNP rs371387085, ClinGen allele CA7221137.